The following is an entry in ClinVar:

ClinVar aggregate classification (germline): Benign/Likely benign. Review status: criteria provided, multiple submitters, no conflicts (2 of 4 stars). 6 submissions from 6 submitters: Benign (1); Likely benign (5). Last evaluated 2025-11-10.

Conditions:
Hereditary cancer-predisposing syndrome. Also called: Neoplastic Syndromes, Hereditary; Hereditary Cancer Syndrome; Hereditary neoplastic syndrome; Tumor predisposition. Identifiers: Orphanet 140162, MedGen C0027672, MeSH D009386, MONDO:0015356.
Familial thoracic aortic aneurysm and aortic dissection (TAAD). Also called: Thoracic aortic aneurysms and dissections. Identifiers: Orphanet 91387, MedGen C4707243, MONDO:0019625.
Juvenile polyposis syndrome (JPS). Identifiers: Orphanet 2929, MedGen C0345893, MONDO:0017380, OMIM 174900.
Juvenile polyposis/hereditary hemorrhagic telangiectasia syndrome (JPHT). Also called: POLYPOSIS, GENERALIZED JUVENILE, WITH PULMONARY ARTERIOVENOUS MALFORMATION; TELANGIECTASIA, HEREDITARY HEMORRHAGIC, WITH JUVENILE POLYPOSIS COLI; Juvenile Polyposis Syndrome / Hereditary Hemorrhagic Telangiectasia (JPS/HHT); JP/HHT SYNDROME; JUVENILE POLYPOSIS WITH HEREDITARY HEMORRHAGIC TELANGIECTASIA. Identifiers: Orphanet 2929, MedGen C1832942, MONDO:0008278, OMIM 175050.

Allele frequency attached by ClinVar (database versions not stated): gnomAD exomes below 0.00001; TOPMed below 0.00001; gnomAD 0.00001.
gnomAD v4.1: 3 of 1,613,772 alleles (0.00019%); highest among the groups gnomAD compares: Middle Eastern, 0.016%; no homozygotes.

Submissions (6):

Labcorp Genetics (formerly Invitae), Labcorp
Classification: Likely benign for Juvenile polyposis syndrome. Last evaluated: 2025-11-10. Review status: criteria provided, single submitter. Criteria: Invitae Variant Classification Sherloc (09022015). Collection method: clinical testing. Allele origin: germline.

Women's Health and Genetics/Laboratory Corporation of America, LabCorp
Classification: Likely benign. Last evaluated: 2025-03-30. Review status: criteria provided, single submitter. Criteria: LabCorp Variant Classification Summary - May 2015. Collection method: clinical testing. Allele origin: germline.

Myriad Genetics, Inc.
Classification: Benign for Juvenile polyposis/hereditary hemorrhagic telangiectasia syndrome. Last evaluated: 2025-03-18. Review status: criteria provided, single submitter. Criteria: Myriad Autosomal Dominant, Autosomal Recessive and X-Linked Classification Criteria (2023). Collection method: clinical testing. Allele origin: unknown.
Comment: This variant is considered benign. This variant is a silent/synonymous amino acid change and it is not expected to impact splicing.

All of Us Research Program, National Institutes of Health
Classification: Likely benign for Juvenile polyposis/hereditary hemorrhagic telangiectasia syndrome. Last evaluated: 2023-05-16. Review status: criteria provided, single submitter. Criteria: ACMG Guidelines, 2015. Collection method: clinical testing. Allele origin: germline. Inheritance: Autosomal dominant inheritance. Observed: 1 variant allele, 1 heterozygote.
Comment: This study involves interpretation of variants in research participants for the purpose of population health screening. Participant phenotype was not available at the time of variant classification. Additional details can be found in publication PMID: 35346344, PMCID: PMC8962531

Ambry Genetics
Classification: Likely benign for Hereditary cancer-predisposing syndrome; Familial thoracic aortic aneurysm and aortic dissection. Last evaluated: 2019-03-21. Review status: criteria provided, single submitter. Criteria: Ambry Variant Classification Scheme 2023. Collection method: clinical testing. Allele origin: germline.

Color Diagnostics, LLC DBA Color Health
Classification: Likely benign for Hereditary cancer-predisposing syndrome. Last evaluated: 2017-01-19. Review status: criteria provided, single submitter. Criteria: ACMG Guidelines, 2015. Collection method: clinical testing. Allele origin: germline.

NM_005359.6(SMAD4):c.160T>C (p.Leu54=)

Gene: SMAD4 (SMAD family member 4; plus strand). Cytogenetic location: 18q21.2.
Variant type: single nucleotide variant.
Coding change: c.160T>C on transcript NM_005359.6 (MANE Select); coding-DNA position 160, T replaced by C.
Protein change: p.Leu54=; no amino-acid change (leucine 54 retained).
Molecular consequence: synonymous variant.
Genome position (GRCh38, 1-based): chr18:51,047,206, T>C. VCF-style: chr18-51047206-T-C. GRCh37 (hg19) VCF-style: chr18-48573576-T-C.
Identifiers: ClinVar variation 460543 (VCV000460543.21), dbSNP rs1053158497, ClinGen allele CA300081064.